The following is an entry in ClinVar:

NM_001018116.2(CAVIN4):c.384C>G (p.Asn128Lys)

Gene: CAVIN4 (caveolae associated protein 4; plus strand). Cytogenetic location: 9q31.1.
Variant type: single nucleotide variant.
Coding change: c.384C>G on transcript NM_001018116.2 (MANE Select); coding-DNA position 384, C replaced by G.
Protein change: p.Asn128Lys; replaces asparagine 128 with lysine.
Molecular consequence: missense variant.
Genome position (GRCh38, 1-based): chr9:100,578,527, C>G. VCF-style: chr9-100578527-C-G. GRCh37 (hg19) VCF-style: chr9-103340809-C-G.
Other names: short protein forms N128K.
Identifiers: ClinVar variation 1217793 (VCV001217793.7), dbSNP rs143268013, ClinGen allele CA5160042.

ClinVar aggregate classification (germline): Uncertain significance. Review status: criteria provided, multiple submitters, no conflicts (2 of 4 stars). 3 submissions from 3 submitters: Uncertain significance (3). Last evaluated 2024-11-19.

Conditions:
CAVIN4-related disorder. Also called: CAVIN4-related condition.

Allele frequency attached by ClinVar (database versions not stated): gnomAD exomes 0.00006 and 0.00012; ExAC 0.00011; gnomAD 0.00034 and 0.00035; ESP Exome Variant Server 0.00038; TOPMed 0.00039; 1000 Genomes Project 0.00060; 1000 Genomes Project 30x 0.00109.
gnomAD v4.1: 144 of 1,613,352 alleles (0.0089%); highest among the groups gnomAD compares: African/African-American, 0.1%; no homozygotes.

Submissions (3):

GeneDx
Classification: Uncertain significance. Last evaluated: 2024-11-19. Review status: criteria provided, single submitter. Criteria: GeneDx Variant Classification Process June 2021. Collection method: clinical testing. Allele origin: germline. Affected: yes.
Comment: In silico analysis supports that this missense variant has a deleterious effect on protein structure/function; Variants in candidate genes are classified as variants of uncertain significance in accordance with ACMG guidelines (PMID: 25741868); This variant is associated with the following publications: (PMID: 27294373, 23299917, 21642240, 27896284)

PreventionGenetics, part of Exact Sciences
Classification: Uncertain significance for CAVIN4-related condition. Last evaluated: 2024-11-08. Review status: criteria provided, single submitter. Criteria: ACMG Guidelines, 2015. Collection method: clinical testing. Allele origin: germline.
Comment: The CAVIN4 c.384C>G variant is predicted to result in the amino acid substitution p.Asn128Lys. This variant has been reported in two individuals with dilated cardiomyopathy from a single family (Rodriguez et al. 2011. PubMed ID: 21642240). This variant is reported in 0.14% of alleles in individuals of African descent in gnomAD, which is likely too frequent to be a primary cause of disease. Although we suspect that this variant may be benign, at this time, the clinical significance of this variant is uncertain due to the absence of conclusive functional and genetic evidence.

Center for Genomics, Ann and Robert H. Lurie Children's Hospital of Chicago
Classification: Uncertain significance. Last evaluated: 2021-03-30. Review status: criteria provided, single submitter. Criteria: ACMG Guidelines, 2015. Collection method: clinical testing. Allele origin: germline.
Comment: CAVIN4 NM_001018116.2 exon 1 p.Asn128Lys (c.384C>G): This variant has been reported in the literature in one individual with DCM, segregating with disease in one affected family member (Rodriguez 2011 PMID:21642240). This variant is also present in 0.1% (34/24078) of African alleles in the Genome Aggregation Database. Evolutionary conservation and computational predictive tools suggest that this variant may impact the protein. In addition, a functional study supports a deleterious effect of this variant (Rodriguez 2011 PMID:21642240). However, this study may not accurately represent in vivo biological function. In summary, data on this variant is insufficient for disease classification. Therefore, the clinical significance of this variant is uncertain.